The following is an entry in ClinVar:

ClinVar aggregate classification (germline): Pathogenic. Review status: criteria provided, multiple submitters, no conflicts (2 of 4 stars). 2 submissions from 2 submitters: Pathogenic (2). Last evaluated 2023-12-30.

Conditions:
Aspartylglucosaminuria (AGU). Also called: GLYCOASPARAGINASE; GLYCOSYLASPARAGINASE DEFICIENCY; Aspartylglucos-aminuria; Aspartylglucos-amidase (AGA) deficiency; AGA DEFICIENCY. Identifiers: Orphanet 93, MedGen C0268225, MONDO:0008830, OMIM 208400, HP:0012068.

Submissions (2):

Baylor Genetics
Classification: Pathogenic for Aspartylglucosaminuria. Last evaluated: 2023-12-30. Review status: criteria provided, single submitter. Criteria: ACMG Guidelines, 2015. Collection method: clinical testing. Allele origin: unknown.

Labcorp Genetics (formerly Invitae), Labcorp
Classification: Pathogenic for Aspartylglucosaminuria. Last evaluated: 2020-07-07. Review status: criteria provided, single submitter. Criteria: Invitae Variant Classification Sherloc (09022015). Collection method: clinical testing. Allele origin: germline.
Comment: This variant is not present in population databases (ExAC no frequency). For these reasons, this variant has been classified as Pathogenic. Donor and acceptor splice site variants typically lead to a loss of protein function (PMID: 16199547), and loss-of-function variants in AGA are known to be pathogenic (PMID: 7627186, 11309371). Algorithms developed to predict the effect of sequence changes on RNA splicing suggest that this variant may disrupt the consensus splice site, but this prediction has not been confirmed by published transcriptional studies. This variant has been reported to affect AGA protein function (PMID: 29247835). This variant has been observed in individual(s) with clinical features of aspartylglucosaminuria (PMID: 29247835). This sequence change affects an acceptor splice site in intron 1 of the AGA gene. It is expected to disrupt RNA splicing and likely results in an absent or disrupted protein product.

Literature cited by the submitters: PubMed 16199547 (cited by Labcorp Genetics (formerly Invitae), Labcorp); PubMed 7627186 (cited by Labcorp Genetics (formerly Invitae), Labcorp); PubMed 11309371 (cited by Labcorp Genetics (formerly Invitae), Labcorp); PubMed 29247835 (cited by Labcorp Genetics (formerly Invitae), Labcorp).

NM_000027.4(AGA):c.128-2A>G

Gene: AGA (aspartylglucosaminidase; minus strand). Cytogenetic location: 4q34.3.
Variant type: single nucleotide variant.
Coding change: c.128-2A>G on transcript NM_000027.4 (MANE Select); the canonical splice acceptor site of the intron before coding-DNA position 128, A replaced by G.
Molecular consequence: splice acceptor variant.
Genome position (GRCh38, 1-based): chr4:177,440,428, T>C on the plus strand (A>G on the coding strand, the complement: AGA is on the minus strand). VCF-style: chr4-177440428-T-C. GRCh37 (hg19) VCF-style: chr4-178361582-T-C.
Other names: c.128-2A>G (NM_001171988.2).
Identifiers: ClinVar variation 1071135 (VCV001071135.11), dbSNP rs2111022003, ClinGen allele CA358784745.
Genomic context (GRCh38, chr4:177,440,428, plus strand): 5'-GGCACAGCCGCTCTCCACTGCATCCAGGGCAGAGCCTCCAGATGCTAATGCCCTCCACGC[T>C]GTTAATCAAATCCCAATAATGCTTGTTTATATATATATTTTTTTTTCAATGCCAAATGCA-3'